The following is an entry in ClinVar:

ClinVar aggregate classification (germline): Conflicting classifications of pathogenicity. Review status: criteria provided, conflicting classifications (1 of 4 stars). 4 submissions from 4 submitters: Uncertain significance (3); Benign (1). Last evaluated 2025-10-06.

Conditions:
Inborn genetic diseases. Identifiers: MedGen C0950123, MeSH D030342.
Bethlem myopathy 1A. Also called: Bethlem Muscular Dystrophy; MYOPATHY, BENIGN CONGENITAL, WITH CONTRACTURES; Bethlem myopathy 1. Identifiers: Orphanet 610, MedGen CN029274, MONDO:0024530, OMIM 158810.

Allele frequency attached by ClinVar (database versions not stated): ExAC 0.00003; gnomAD exomes 0.00003; gnomAD 0.00004; TOPMed 0.00004; ESP Exome Variant Server 0.00023.
gnomAD v4.1: 50 of 1,612,928 alleles (0.0031%); highest among the groups gnomAD compares: African/African-American, 0.011%; no homozygotes.

Submissions (4):

Labcorp Genetics (formerly Invitae), Labcorp
Classification: Benign for Bethlem myopathy 1A. Last evaluated: 2025-10-06. Review status: criteria provided, single submitter. Criteria: Invitae Variant Classification Sherloc (09022015). Collection method: clinical testing. Allele origin: germline.

GeneDx
Classification: Uncertain significance. Last evaluated: 2024-02-06. Review status: criteria provided, single submitter. Criteria: GeneDx Variant Classification Process June 2021. Collection method: clinical testing. Allele origin: germline. Affected: yes.
Comment: Reported as a variant of uncertain significance in one individual from a large cohort of patients with clinically suspected limb-girdle muscular dystrophy (PMID: 30564623); In silico analysis supports that this missense variant does not alter protein structure/function; This variant is associated with the following publications: (PMID: 30564623)

Ambry Genetics
Classification: Uncertain significance for Inborn genetic diseases. Last evaluated: 2022-02-17. Review status: criteria provided, single submitter. Criteria: Ambry Variant Classification Scheme 2023. Collection method: clinical testing. Allele origin: germline.

Eurofins Ntd Llc (ga)
Classification: Uncertain significance. Last evaluated: 2018-06-01. Review status: criteria provided, single submitter. Criteria: EGL ClinVar v180209 classification definitions. Collection method: clinical testing. Allele origin: germline. Observed: 3 variant alleles, 3 heterozygotes.

NM_001848.3(COL6A1):c.2785G>A (p.Glu929Lys)

Gene: COL6A1 (collagen type VI alpha 1 chain; plus strand). Cytogenetic location: 21q22.3.
Variant type: single nucleotide variant.
Coding change: c.2785G>A on transcript NM_001848.3 (MANE Select); coding-DNA position 2785, G replaced by A.
Protein change: p.Glu929Lys; replaces glutamic acid 929 with lysine.
Molecular consequence: missense variant.
Genome position (GRCh38, 1-based): chr21:46,003,711, G>A. VCF-style: chr21-46003711-G-A. GRCh37 (hg19) VCF-style: chr21-47423625-G-A.
Other names: short protein forms E929K.
Identifiers: ClinVar variation 497568 (VCV000497568.14), dbSNP rs145846228, ClinGen allele CA10071032.